The following is an entry in ClinVar:

NM_152564.5(VPS13B):c.366G>A (p.Pro122=)

Gene: VPS13B (vacuolar protein sorting 13 homolog B; plus strand). Cytogenetic location: 8q22.2.
Variant type: single nucleotide variant.
Coding change: c.366G>A on transcript NM_152564.5 (MANE Select); coding-DNA position 366, G replaced by A.
Protein change: p.Pro122=; no amino-acid change (proline 122 retained).
Molecular consequence: synonymous variant. On other transcripts: non-coding transcript variant (1).
Genome position (GRCh38, 1-based): chr8:99,096,386, G>A. VCF-style: chr8-99096386-G-A. GRCh37 (hg19) VCF-style: chr8-100108614-G-A.
Other names: c.366G>A, p.Pro122= (NM_015243.3, NM_017890.5, NM_181661.3); c.366G>A (NM_152564.4).
Identifiers: ClinVar variation 528870 (VCV000528870.14), dbSNP rs373340298, ClinGen allele CA4822354.

ClinVar aggregate classification (germline): Likely benign. Review status: criteria provided, multiple submitters, no conflicts (2 of 4 stars). 3 submissions from 3 submitters: Likely benign (2). 1 of the submissions does not count toward it. Last evaluated 2026-01-12.

Conditions:
VPS13B-related disorder. Also called: VPS13B-related condition.
Cohen syndrome (COH1). Also called: PEPPER SYNDROME; Cutis verticis gyrata, retinitis pigmentosa, and sensorineural deafness. Identifiers: Orphanet 193, MedGen C0265223, MONDO:0008999, OMIM 216550.

Allele frequency attached by ClinVar (database versions not stated): gnomAD 0.00004; gnomAD exomes 0.00006; ExAC 0.00007; TOPMed 0.00007; ESP Exome Variant Server 0.00008.
gnomAD v4.1: 106 of 1,613,896 alleles (0.0066%); highest among the groups gnomAD compares: Middle Eastern, 0.016%; no homozygotes.

Submissions (3):

Labcorp Genetics (formerly Invitae), Labcorp
Classification: Likely benign for Cohen syndrome. Last evaluated: 2026-01-12. Review status: criteria provided, single submitter. Criteria: Invitae Variant Classification Sherloc (09022015). Collection method: clinical testing. Allele origin: germline.

Blueprint Genetics
Classification: Likely benign. Last evaluated: 2023-08-03. Review status: criteria provided, single submitter. Criteria: ACMG Guidelines, 2015. Collection method: clinical testing. Allele origin: germline.

PreventionGenetics, part of Exact Sciences
Classification: Likely benign for VPS13B-related condition. Last evaluated: 2022-11-17. Review status: no assertion criteria provided. Collection method: clinical testing. Allele origin: germline. Not counted in ClinVar's aggregate classification.
Comment: This variant is classified as likely benign based on ACMG/AMP sequence variant interpretation guidelines (Richards et al. 2015 PMID: 25741868, with internal and published modifications).